The following is an entry in ClinVar:

ClinVar aggregate classification (germline): Uncertain significance (1 of 4 stars; one submission).

Conditions:
Muscle AMP deaminase deficiency (MMDD). Also called: Myoadenylate deaminase deficiency, myopathy due to; Adenosine monophosphate deaminase 1 deficiency; AMP deaminase 1 deficiency; Adenosine Monophosphate Deaminase 1; ADENOSINE MONOPHOSPHATE DEAMINASE-1 DEFICIENCY, MYOPATHY DUE TO; AMPD1 DEFICIENCY. Identifiers: Orphanet 45, MedGen C3714933, MONDO:0014220, OMIM 615511.

Allele frequency attached by ClinVar (database versions not stated): gnomAD exomes below 0.00001.
gnomAD v4.1: 3 of 1,614,204 alleles (0.00019%); highest among the groups gnomAD compares: Middle Eastern, 0.033%; no homozygotes.

Submission:

Labcorp Genetics (formerly Invitae), Labcorp
Classification: Uncertain significance for Muscle AMP deaminase deficiency. Last evaluated: 2022-09-13. Review status: criteria provided, single submitter. Criteria: Invitae Variant Classification Sherloc (09022015). Collection method: clinical testing. Allele origin: germline.
Comment: In summary, the available evidence is currently insufficient to determine the role of this variant in disease. Therefore, it has been classified as a Variant of Uncertain Significance. Algorithms developed to predict the effect of missense changes on protein structure and function (SIFT, PolyPhen-2, Align-GVGD) all suggest that this variant is likely to be disruptive. This variant has not been reported in the literature in individuals affected with AMPD1-related conditions. This variant is not present in population databases (gnomAD no frequency). This sequence change replaces proline, which is neutral and non-polar, with serine, which is neutral and polar, at codon 563 of the AMPD1 protein (p.Pro563Ser).

NM_000036.3(AMPD1):c.1588C>T (p.Pro530Ser)

Gene: AMPD1 (adenosine monophosphate deaminase 1; minus strand). Cytogenetic location: 1p13.2.
Variant type: single nucleotide variant.
Coding change: c.1588C>T on transcript NM_000036.3 (MANE Select); coding-DNA position 1588, C replaced by T.
Protein change: p.Pro530Ser; replaces proline 530 with serine.
Molecular consequence: missense variant.
Genome position (GRCh38, 1-based): chr1:114,675,621, G>A on the plus strand (C>T on the coding strand, the complement: AMPD1 is on the minus strand). VCF-style: chr1-114675621-G-A. GRCh37 (hg19) VCF-style: chr1-115218242-G-A.
Other names: c.1576C>T, p.Pro526Ser (NM_001172626.2); short protein forms P530S, P526S.
Identifiers: ClinVar variation 1898375 (VCV001898375.5), dbSNP rs1234578967, ClinGen allele CA341746880.